The following is an entry in ClinVar:

ClinVar aggregate classification (germline): Uncertain significance (1 of 4 stars; one submission).

Conditions:
Emery-Dreifuss muscular dystrophy 5, autosomal dominant (EDMD5). Also called: EMERY-DREIFUSS MUSCULAR DYSTROPHY 5. Identifiers: Orphanet 261, MedGen C2751805, MONDO:0013072, OMIM 612999.

Allele frequency attached by ClinVar (database versions not stated): gnomAD exomes below 0.00001; ExAC 0.00002; gnomAD 0.00002; TOPMed 0.00003.
gnomAD v4.1: 4 of 1,613,850 alleles (0.00025%); highest among the groups gnomAD compares: African/African-American, 0.0053%; no homozygotes.

Submission:

Labcorp Genetics (formerly Invitae), Labcorp
Classification: Uncertain significance for Emery-Dreifuss muscular dystrophy 5, autosomal dominant. Last evaluated: 2022-05-02. Review status: criteria provided, single submitter. Criteria: Invitae Variant Classification Sherloc (09022015). Collection method: clinical testing. Allele origin: germline.
Comment: This sequence change replaces leucine, which is neutral and non-polar, with proline, which is neutral and non-polar, at codon 6566 of the SYNE2 protein (p.Leu6566Pro). This variant is present in population databases (rs748568447, gnomAD 0.02%). In summary, the available evidence is currently insufficient to determine the role of this variant in disease. Therefore, it has been classified as a Variant of Uncertain Significance. Algorithms developed to predict the effect of missense changes on protein structure and function are either unavailable or do not agree on the potential impact of this missense change (SIFT: "Deleterious"; PolyPhen-2: "Probably Damaging"; Align-GVGD: "Class C0"). This variant has not been reported in the literature in individuals affected with SYNE2-related conditions.

NM_182914.3(SYNE2):c.19697T>C (p.Leu6566Pro)

Gene: SYNE2 (spectrin repeat containing nuclear envelope protein 2; plus strand). Cytogenetic location: 14q23.2.
Variant type: single nucleotide variant.
Coding change: c.19697T>C on transcript NM_182914.3 (MANE Select); coding-DNA position 19697, T replaced by C.
Protein change: p.Leu6566Pro; replaces leucine 6566 with proline.
Molecular consequence: missense variant.
Genome position (GRCh38, 1-based): chr14:64,219,247, T>C. VCF-style: chr14-64219247-T-C. GRCh37 (hg19) VCF-style: chr14-64685965-T-C.
Other names: c.19628T>C, p.Leu6543Pro (NM_015180.6); c.221T>C, p.Leu74Pro (NM_182910.2); c.599T>C, p.Leu200Pro (NM_182913.4); short protein forms L200P, L6566P, L6543P, L74P.
Identifiers: ClinVar variation 1897209 (VCV001897209.5), dbSNP rs748568447, ClinGen allele CA7224565.